The following is an entry in ClinVar:

ClinVar aggregate classification (germline): Uncertain significance (1 of 4 stars; one submission).

Conditions:
Hypertrophic cardiomyopathy. Also called: HYPERTROPHIC MYOCARDIOPATHY. Identifiers: Orphanet 217569, MedGen C0007194, MeSH D002312, MONDO:0005045, HP:0001639.

Allele frequency attached by ClinVar (database versions not stated): gnomAD exomes below 0.00001.
gnomAD v4.1: 2 of 1,614,164 alleles (0.00012%); highest among the groups gnomAD compares: South Asian, 0.0011%; no homozygotes.

Submission:

Labcorp Genetics (formerly Invitae), Labcorp
Classification: Uncertain significance for Hypertrophic cardiomyopathy. Last evaluated: 2022-12-23. Review status: criteria provided, single submitter. Criteria: Invitae Variant Classification Sherloc (09022015). Collection method: clinical testing. Allele origin: germline.
Comment: In summary, the available evidence is currently insufficient to determine the role of this variant in disease. Therefore, it has been classified as a Variant of Uncertain Significance. Algorithms developed to predict the effect of sequence changes on RNA splicing suggest that this variant is not likely to affect RNA splicing. This variant has not been reported in the literature in individuals affected with MYL3-related conditions. This variant is not present in population databases (gnomAD no frequency). This sequence change affects codon 160 of the MYL3 mRNA. It is a 'silent' change, meaning that it does not change the encoded amino acid sequence of the MYL3 protein. It affects a nucleotide within the consensus splice site.

NM_000258.3(MYL3):c.480G>A (p.Leu160=)

Gene: MYL3 (myosin light chain 3; minus strand). Cytogenetic location: 3p21.31.
Variant type: single nucleotide variant.
Coding change: c.480G>A on transcript NM_000258.3 (MANE Select); coding-DNA position 480, G replaced by A.
Protein change: p.Leu160=; no amino-acid change (leucine 160 retained).
Molecular consequence: synonymous variant.
Genome position (GRCh38, 1-based): chr3:46,859,476, C>T on the plus strand (G>A on the coding strand, the complement: MYL3 is on the minus strand). VCF-style: chr3-46859476-C-T. GRCh37 (hg19) VCF-style: chr3-46900966-C-T.
Other names: c.480G>A, p.Leu160= (NM_001406937.1, NM_001406938.1, NM_001406939.1); c.306G>A, p.Leu102= (NM_001406940.1, NM_001406941.1).
Identifiers: ClinVar variation 2961240 (VCV002961240.3), dbSNP rs2544964815, ClinGen allele CA433474348.